The following is an entry in ClinVar:

ClinVar aggregate classification (germline): Uncertain significance. Review status: criteria provided, multiple submitters, no conflicts (2 of 4 stars). 2 submissions from 2 submitters: Uncertain significance (2). Last evaluated 2025-11-24.

Conditions:
Hereditary cancer-predisposing syndrome. Also called: Neoplastic Syndromes, Hereditary; Hereditary neoplastic syndrome; Tumor predisposition; Hereditary Cancer Syndrome. Identifiers: Orphanet 140162, MedGen C0027672, MeSH D009386, MONDO:0015356.
Gorlin syndrome. Also called: Basal cell nevus syndrome; Nevoid Basal Cell Carcinoma Syndrome. Identifiers: Orphanet 377, MedGen C0004779, MONDO:0007187.

Allele frequency attached by ClinVar (database versions not stated): gnomAD 0.00001; TOPMed 0.00001.
gnomAD v4.1: 1 of 1,614,042 alleles (0.000062%); highest among the groups gnomAD compares: African/African-American, 0.0013%; no homozygotes.

Submissions (2):

Labcorp Genetics (formerly Invitae), Labcorp
Classification: Uncertain significance for Gorlin syndrome. Last evaluated: 2025-11-24. Review status: criteria provided, single submitter. Criteria: Invitae Variant Classification Sherloc (09022015). Collection method: clinical testing. Allele origin: germline.
Comment: This sequence change replaces glutamine, which is neutral and polar, with arginine, which is basic and polar, at codon 714 of the PTCH1 protein (p.Gln714Arg). This variant is not present in population databases (gnomAD no frequency). This variant has not been reported in the literature in individuals affected with PTCH1-related conditions. ClinVar contains an entry for this variant (Variation ID: 835282). Invitae Evidence Modeling of protein sequence and biophysical properties (such as structural, functional, and spatial information, amino acid conservation, physicochemical variation, residue mobility, and thermodynamic stability) indicates that this missense variant is not expected to disrupt PTCH1 protein function with a negative predictive value of 95%. In summary, the available evidence is currently insufficient to determine the role of this variant in disease. Therefore, it has been classified as a Variant of Uncertain Significance.

Ambry Genetics
Classification: Uncertain significance for Hereditary cancer-predisposing syndrome. Last evaluated: 2025-08-09. Review status: criteria provided, single submitter. Criteria: Ambry Variant Classification Scheme 2023. Collection method: clinical testing. Allele origin: germline.
Comment: The p.Q714R variant (also known as c.2141A>G), located in coding exon 14 of the PTCH1 gene, results from an A to G substitution at nucleotide position 2141. The glutamine at codon 714 is replaced by arginine, an amino acid with highly similar properties. This amino acid position is conserved. In addition, the in silico prediction for this alteration is inconclusive. Since supporting evidence is limited at this time, the clinical significance of this alteration remains unclear.

NM_000264.5(PTCH1):c.2141A>G (p.Gln714Arg)

Genes: PTCH1 (patched 1; minus strand), LOC100507346 (uncharacterized LOC100507346; plus strand). Cytogenetic location: 9q22.32.
Variant type: single nucleotide variant.
Coding change: c.2141A>G on transcript NM_000264.5 (MANE Select); coding-DNA position 2141, A replaced by G.
Protein change: p.Gln714Arg; replaces glutamine 714 with arginine.
Molecular consequence: missense variant. On other transcripts: non-coding transcript variant (2).
Genome position (GRCh38, 1-based): chr9:95,468,860, T>C on the plus strand (A>G on the coding strand, the complement: PTCH1 is on the minus strand). VCF-style: chr9-95468860-T-C. GRCh37 (hg19) VCF-style: chr9-98231142-T-C.
Other names: c.1943A>G, p.Gln648Arg (NM_001083602.3); c.2138A>G, p.Gln713Arg (NM_001083603.3); c.1688A>G, p.Gln563Arg (NM_001083604.3, NM_001083605.3, NM_001083606.3 and 1 more transcripts); c.1985A>G, p.Gln662Arg (NM_001354918.2); short protein forms Q648R, Q713R, Q662R, Q714R, Q563R.
Identifiers: ClinVar variation 835282 (VCV000835282.11), dbSNP rs1051496812, ClinGen allele CA196586680.